The following is an entry in ClinVar:

ClinVar aggregate classification (germline): Uncertain significance (1 of 4 stars; one submission).

Conditions:
Muscular dystrophy-dystroglycanopathy (congenital with brain and eye anomalies), type A14. Also called: Congenital Muscular Dystrophy-Dystroglycanopathy with Brain and Eye Anomalies Type A 14; Congenital muscular dystrophy-dystroglycanopathy with brain and eye anomalies, type A14; Muscular dystrophy-dystroglycanopathy (congenital with brain and eye anomalies), type a, 14; WALKER-WARBURG SYNDROME OR MUSCLE-EYE-BRAIN DISEASE, GMPPB-RELATED. Identifiers: Orphanet 588, MedGen C3809216, MONDO:0014140, OMIM 615350.
Muscular dystrophy-dystroglycanopathy (congenital with impaired intellectual development), type B, 14. Also called: Congenital muscular dystrophy-dystroglycanopathy with mental retardation, type B14; MUSCULAR DYSTROPHY, CONGENITAL, GMPPB-RELATED; Muscular dystrophy-dystroglycanopathy (congenital with intellectual disability), type B14. Identifiers: MedGen C3809221, MONDO:0014141, OMIM 615351.
Autosomal recessive limb-girdle muscular dystrophy type 2T. Also called: Limb-girdle muscular dystrophy-dystroglycanopathy, type C14; Muscular dystrophy-dystroglycanopathy (limb-girdle), type c, 14; MUSCULAR DYSTROPHY-DYSTROGLYCANOPATHY, LIMB-GIRDLE, GMPPB-RELATED; MUSCULAR DYSTROPHY, LIMB-GIRDLE, TYPE 2T. Identifiers: Orphanet 363623, MedGen C4518000, MONDO:0014142, OMIM 615352.

Submission:

Labcorp Genetics (formerly Invitae), Labcorp
Classification: Uncertain significance for Autosomal recessive limb-girdle muscular dystrophy type 2T; Muscular dystrophy-dystroglycanopathy (congenital with brain and eye anomalies), type A14; Muscular dystrophy-dystroglycanopathy (congenital with impaired intellectual development), type B, 14. Last evaluated: 2023-05-22. Review status: criteria provided, single submitter. Criteria: Invitae Variant Classification Sherloc (09022015). Collection method: clinical testing. Allele origin: germline.
Comment: In summary, the available evidence is currently insufficient to determine the role of this variant in disease. Therefore, it has been classified as a Variant of Uncertain Significance. Advanced modeling of protein sequence and biophysical properties (such as structural, functional, and spatial information, amino acid conservation, physicochemical variation, residue mobility, and thermodynamic stability) performed at Invitae indicates that this missense variant is not expected to disrupt GMPPB protein function. ClinVar contains an entry for this variant (Variation ID: 573725). This variant has not been reported in the literature in individuals affected with GMPPB-related conditions. This variant is not present in population databases (gnomAD no frequency). This sequence change replaces glutamine, which is neutral and polar, with histidine, which is basic and polar, at codon 264 of the GMPPB protein (p.Gln264His).

NM_021971.4(GMPPB):c.792G>C (p.Gln264His)

Gene: GMPPB (GDP-mannose pyrophosphorylase B; minus strand). Cytogenetic location: 3p21.31.
Variant type: single nucleotide variant.
Coding change: c.792G>C on transcript NM_021971.4 (MANE Select); coding-DNA position 792, G replaced by C.
Protein change: p.Gln264His; replaces glutamine 264 with histidine.
Molecular consequence: missense variant.
Genome position (GRCh38, 1-based): chr3:49,722,124, C>G on the plus strand (G>C on the coding strand, the complement: GMPPB is on the minus strand). VCF-style: chr3-49722124-C-G. GRCh37 (hg19) VCF-style: chr3-49759557-C-G.
Other names: c.792G>C, p.Gln264His (NM_013334.4); short protein forms Q264H.
Identifiers: ClinVar variation 573725 (VCV000573725.6), dbSNP rs1559696652, ClinGen allele CA352827714.